The following is an entry in ClinVar:

ClinVar aggregate classification (germline): Uncertain significance (1 of 4 stars; one submission).

Conditions:
Nemaline myopathy 2 (NEM2). Also called: Nemaline myopathy 2, autosomal recessive. Identifiers: MedGen C1850569, MONDO:0009725, OMIM 256030.

Allele frequency attached by ClinVar (database versions not stated): gnomAD 0.00001; gnomAD exomes 0.00001 and 0.00002; ExAC 0.00003.
gnomAD v4.1: 21 of 1,613,162 alleles (0.0013%); highest among the groups gnomAD compares: South Asian, 0.019%; 1 homozygote.

Submission:

Labcorp Genetics (formerly Invitae), Labcorp
Classification: Uncertain significance for Nemaline myopathy 2. Last evaluated: 2022-07-19. Review status: criteria provided, single submitter. Criteria: Invitae Variant Classification Sherloc (09022015). Collection method: clinical testing. Allele origin: germline.
Comment: This sequence change replaces tyrosine, which is neutral and polar, with cysteine, which is neutral and slightly polar, at codon 3742 of the NEB protein (p.Tyr3742Cys). This variant is present in population databases (rs752598891, gnomAD 0.01%). This variant has not been reported in the literature in individuals affected with NEB-related conditions. ClinVar contains an entry for this variant (Variation ID: 1368934). Algorithms developed to predict the effect of missense changes on protein structure and function output the following: SIFT: "Tolerated"; PolyPhen-2: "Not Available"; Align-GVGD: "Class C0". The cysteine amino acid residue is found in multiple mammalian species, which suggests that this missense change does not adversely affect protein function. Algorithms developed to predict the effect of sequence changes on RNA splicing suggest that this variant may create or strengthen a splice site. In summary, the available evidence is currently insufficient to determine the role of this variant in disease. Therefore, it has been classified as a Variant of Uncertain Significance.

NM_001164508.2(NEB):c.11225A>G (p.Tyr3742Cys)

Gene: NEB (nebulin; minus strand). Cytogenetic location: 2q23.3.
Variant type: single nucleotide variant.
Coding change: c.11225A>G on transcript NM_001164508.2 (MANE Select); coding-DNA position 11225, A replaced by G.
Protein change: p.Tyr3742Cys; replaces tyrosine 3742 with cysteine.
Molecular consequence: missense variant.
Genome position (GRCh38, 1-based): chr2:151,616,066, T>C on the plus strand (A>G on the coding strand, the complement: NEB is on the minus strand). VCF-style: chr2-151616066-T-C. GRCh37 (hg19) VCF-style: chr2-152472580-T-C.
Other names: c.11225A>G, p.Tyr3742Cys (NM_001164507.2, NM_001271208.2); c.10496A>G, p.Tyr3499Cys (NM_004543.5); short protein forms Y3499C, Y3742C.
Identifiers: ClinVar variation 1368934 (VCV001368934.6), dbSNP rs752598891, ClinGen allele CA1908806.